The following is an entry in ClinVar:

ClinVar aggregate classification (germline): Uncertain significance (1 of 4 stars; one submission).

Conditions:
NUP160-related disorder. Also called: NUP160-related condition.

Submission:

PreventionGenetics, part of Exact Sciences
Classification: Uncertain significance for NUP160-related condition. Last evaluated: 2022-08-26. Review status: criteria provided, single submitter. Criteria: ACMG Guidelines, 2015. Collection method: clinical testing. Allele origin: germline.
Comment: The NUP160 c.1777A>T variant is predicted to result in the amino acid substitution p.Ile593Leu. To our knowledge, this variant has not been reported in the literature or in a large population database, indicating this variant is rare. At this time, the clinical significance of this variant is uncertain due to the absence of conclusive functional and genetic evidence.

NM_015231.3(NUP160):c.1675A>T (p.Ile559Leu)

Gene: NUP160 (nucleoporin 160; minus strand). Cytogenetic location: 11p11.2.
Variant type: single nucleotide variant.
Coding change: c.1675A>T on transcript NM_015231.3 (MANE Select); coding-DNA position 1675, A replaced by T.
Protein change: p.Ile559Leu; replaces isoleucine 559 with leucine.
Molecular consequence: missense variant. On other transcripts: non-coding transcript variant (1).
Genome position (GRCh38, 1-based): chr11:47,813,325, T>A on the plus strand (A>T on the coding strand, the complement: NUP160 is on the minus strand). VCF-style: chr11-47813325-T-A. GRCh37 (hg19) VCF-style: chr11-47834877-T-A.
Other names: short protein forms I559L.
Identifiers: ClinVar variation 2636509 (VCV002636509.1), dbSNP rs2097682234, ClinGen allele CA380383480.